The following is an entry in ClinVar:

ClinVar aggregate classification (germline): Uncertain significance. Review status: criteria provided, single submitter (1 of 4 stars). 2 submissions from 2 submitters: Uncertain significance (1). 1 of the submissions does not count toward it. Last evaluated 2018-01-15.

Conditions:
Bardet-Biedl syndrome 15 (BBS15). Identifiers: Orphanet 110, MedGen C3150127, MONDO:0014443, OMIM 615992.
WDPCP-related disorder. Also called: WDPCP-related condition.

Allele frequency attached by ClinVar (database versions not stated): gnomAD exomes below 0.00001; ESP Exome Variant Server 0.00009; ExAC 0.00001.
gnomAD v4.1: 4 of 1,613,392 alleles (0.00025%); highest among the groups gnomAD compares: African/African-American, 0.0013%; no homozygotes.

Submissions (2):

Illumina Laboratory Services, Illumina
Classification: Uncertain significance for Bardet-Biedl syndrome 15. Last evaluated: 2018-01-15. Review status: criteria provided, single submitter. Criteria: ICSL Variant Classification Criteria 13 December 2019. Collection method: clinical testing. Allele origin: germline.

PreventionGenetics, part of Exact Sciences
Classification: Uncertain significance for WDPCP-related condition. Last evaluated: 2024-05-14. Review status: no assertion criteria provided. Collection method: clinical testing. Allele origin: germline. Not counted in ClinVar's aggregate classification.
Comment: The WDPCP c.2216A>G variant is predicted to result in the amino acid substitution p.Lys739Arg. To our knowledge, this variant has not been reported in the literature. This variant is reported in 0.00088% of alleles in individuals of European (Non-Finnish) descent in gnomAD. At this time, the clinical significance of this variant is uncertain due to the absence of conclusive functional and genetic evidence.

NM_015910.7(WDPCP):c.2216A>G (p.Lys739Arg)

Gene: WDPCP (WD repeat containing planar cell polarity effector; minus strand). Cytogenetic location: 2p15.
Variant type: single nucleotide variant.
Coding change: c.2216A>G on transcript NM_015910.7 (MANE Select); coding-DNA position 2216, A replaced by G.
Protein change: p.Lys739Arg; replaces lysine 739 with arginine.
Molecular consequence: missense variant. On other transcripts: non-coding transcript variant (3).
Genome position (GRCh38, 1-based): chr2:63,122,031, T>C on the plus strand (A>G on the coding strand, the complement: WDPCP is on the minus strand). VCF-style: chr2-63122031-T-C. GRCh37 (hg19) VCF-style: chr2-63349166-T-C.
Other names: c.1739A>G, p.Lys580Arg (NM_001042692.3); c.2144A>G, p.Lys715Arg (NM_001354044.2); short protein forms K739R, K580R, K715R.
Identifiers: ClinVar variation 895795 (VCV000895795.5), dbSNP rs374727283, ClinGen allele CA1681948.
Genomic context (GRCh38, chr2:63,122,031, plus strand): 5'-ATATGAAGAAGGCAGTTTTCTTTTTTTCTTAATGTTTACACCAGACCAAAGTGAATCATT[T>C]TGAGAGAACCACCATCTCTGATTTCCTGCAAATAAACAAATAAAAATAATGTTTAAGCAG-3'
Protein context (NP_056994.3, residues 729-746): EQEIRDGGSL[Lys739Arg]MIHFGLV